The following is an entry in ClinVar:

ClinVar aggregate classification (germline): Conflicting classifications of pathogenicity. Review status: criteria provided, conflicting classifications (1 of 4 stars). 3 submissions from 3 submitters: Uncertain significance (2); Likely benign (1). Last evaluated 2024-09-20.

Conditions:
Weill-Marchesani 4 syndrome, recessive. Also called: Weill-Marchesani syndrome 4. Identifiers: Orphanet 363992, MedGen C2750787, MONDO:0013176, OMIM 613195.

Allele frequency attached by ClinVar (database versions not stated): gnomAD exomes 0.00001 and 0.00003; gnomAD 0.00002; ExAC 0.00003; TOPMed 0.00003.
gnomAD v4.1: 19 of 1,614,052 alleles (0.0012%); highest among the groups gnomAD compares: East Asian, 0.018%; no homozygotes.

Submissions (3):

3billion
Classification: Likely benign for Weill-Marchesani 4 syndrome, recessive. Last evaluated: 2024-09-20. Review status: criteria provided, single submitter. Criteria: ACMG Guidelines, 2015. Collection method: clinical testing. Allele origin: germline. Affected: no.
Comment: The homozygous variant was found in patients diagnosed with another variant in a different gene, with no symptoms related to the gene containing the homozygous variant.

Labcorp Genetics (formerly Invitae), Labcorp
Classification: Uncertain significance. Last evaluated: 2022-02-27. Review status: criteria provided, single submitter. Criteria: Invitae Variant Classification Sherloc (09022015). Collection method: clinical testing. Allele origin: germline.
Comment: In summary, the available evidence is currently insufficient to determine the role of this variant in disease. Therefore, it has been classified as a Variant of Uncertain Significance. Algorithms developed to predict the effect of missense changes on protein structure and function are either unavailable or do not agree on the potential impact of this missense change (SIFT: "Not Available"; PolyPhen-2: "Benign"; Align-GVGD: "Not Available"). This variant has not been reported in the literature in individuals affected with ADAMTS17-related conditions. This variant is present in population databases (rs756053197, gnomAD 0.02%). This sequence change replaces alanine, which is neutral and non-polar, with serine, which is neutral and polar, at codon 625 of the ADAMTS17 protein (p.Ala625Ser).

Blueprint Genetics
Classification: Uncertain significance. Last evaluated: 2021-08-23. Review status: criteria provided, single submitter. Criteria: ACMG Guidelines, 2015. Collection method: clinical testing. Allele origin: germline.

NM_139057.4(ADAMTS17):c.1873G>T (p.Ala625Ser)

Gene: ADAMTS17 (ADAM metallopeptidase with thrombospondin type 1 motif 17; minus strand). Cytogenetic location: 15q26.3.
Variant type: single nucleotide variant.
Coding change: c.1873G>T on transcript NM_139057.4 (MANE Select); coding-DNA position 1873, G replaced by T.
Protein change: p.Ala625Ser; replaces alanine 625 with serine.
Molecular consequence: missense variant.
Genome position (GRCh38, 1-based): chr15:100,116,862, C>A on the plus strand (G>T on the coding strand, the complement: ADAMTS17 is on the minus strand). VCF-style: chr15-100116862-C-A. GRCh37 (hg19) VCF-style: chr15-100657067-C-A.
Other names: short protein forms A625S.
Identifiers: ClinVar variation 1442566 (VCV001442566.6), dbSNP rs756053197, ClinGen allele CA7758032.
Genomic context (GRCh38, chr15:100,116,862, plus strand): 5'-GGAGGACAGGAGGCTGCCATGCAAGGACATGCCATATGCCTTTACCGTCAACCACCACGG[C>A]TGTCAGCAGGCCTTTCTTCTTGGGGCTCAGCCGGTCGTGTGCCTGGCACTGCTGGTCCCG-3'
Protein context (NP_620688.2, residues 615-635): LSPKKKGLLT[Ala625Ser]VVVDDKPCEL